The following is an entry in ClinVar:

NM_031471.6(FERMT3):c.787-8C>T

Gene: FERMT3 (FERM domain containing kindlin 3; plus strand). Cytogenetic location: 11q13.1.
Variant type: single nucleotide variant.
Coding change: c.787-8C>T on transcript NM_031471.6 (MANE Select); 8 bases into the intron before coding-DNA position 787, C replaced by T.
Molecular consequence: intron variant.
Genome position (GRCh38, 1-based): chr11:64,219,243, C>T. VCF-style: chr11-64219243-C-T. GRCh37 (hg19) VCF-style: chr11-63986715-C-T.
Other names: p.?; c.787-8C>T (NM_001382448.1, NM_178443.3, NM_001382362.1 and 1 more transcripts); c.247-8C>T (NM_001382364.1, NM_001382363.1).
Identifiers: ClinVar variation 719988 (VCV000719988.10), dbSNP rs202116077, ClinGen allele CA6068918.

ClinVar aggregate classification (germline): Likely benign. Review status: criteria provided, multiple submitters, no conflicts (2 of 4 stars). 3 submissions from 3 submitters: Likely benign (3). Last evaluated 2025-07-14.

Conditions:
Leukocyte adhesion deficiency 3. Also called: Leukocyte adhesion deficiency, type III; INTEGRIN ACTIVATION DEFICIENCY DISEASE; LEUKOCYTE ADHESION DEFICIENCY 1 VARIANT. Identifiers: Orphanet 2968, Orphanet 99844, MedGen C2748536, MONDO:0013016, OMIM 612840.

Allele frequency attached by ClinVar (database versions not stated): TOPMed 0.00026; 1000 Genomes Project 30x 0.00031; 1000 Genomes Project 0.00040.

Submissions (3):

Labcorp Genetics (formerly Invitae), Labcorp
Classification: Likely benign for Leukocyte adhesion deficiency 3. Last evaluated: 2025-07-14. Review status: criteria provided, single submitter. Criteria: Invitae Variant Classification Sherloc (09022015). Collection method: clinical testing. Allele origin: germline.

Mayo Clinic Laboratories, Mayo Clinic
Classification: Likely benign. Last evaluated: 2025-05-08. Review status: criteria provided, single submitter. Criteria: ACMG Guidelines, 2015. Collection method: clinical testing. Allele origin: germline. Observed: 1 variant allele.
Comment: BP4, BP7

Blueprint Genetics
Classification: Likely benign. Last evaluated: 2024-11-07. Review status: criteria provided, single submitter. Criteria: ACMG Guidelines, 2015. Collection method: clinical testing. Allele origin: germline.